The following is an entry in ClinVar:

NM_004608.4(TBX6):c.211C>T (p.Pro71Ser)

Gene: TBX6 (T-box transcription factor 6; minus strand). Cytogenetic location: 16p11.2.
Variant type: single nucleotide variant.
Coding change: c.211C>T on transcript NM_004608.4 (MANE Select); coding-DNA position 211, C replaced by T.
Protein change: p.Pro71Ser; replaces proline 71 with serine.
Molecular consequence: missense variant.
Genome position (GRCh38, 1-based): chr16:30,090,900, G>A on the plus strand (C>T on the coding strand, the complement: TBX6 is on the minus strand). VCF-style: chr16-30090900-G-A. GRCh37 (hg19) VCF-style: chr16-30102221-G-A.
Other names: c.211C>T (NM_004608.3); short protein forms P71S.
Identifiers: ClinVar variation 1898756 (VCV001898756.6), dbSNP rs752576919, ClinGen allele CA8001975.

ClinVar aggregate classification (germline): Uncertain significance. Review status: criteria provided, multiple submitters, no conflicts (2 of 4 stars). 2 submissions from 2 submitters: Uncertain significance (2). Last evaluated 2025-01-07.

Conditions:
Inborn genetic diseases. Identifiers: MedGen C0950123, MeSH D030342.

Allele frequency attached by ClinVar (database versions not stated): ExAC 0.00001; gnomAD 0.00001; TOPMed 0.00002.

Submissions (2):

Ambry Genetics
Classification: Uncertain significance for Inborn genetic diseases. Last evaluated: 2025-01-07. Review status: criteria provided, single submitter. Criteria: Ambry Variant Classification Scheme 2023. Collection method: clinical testing. Allele origin: germline.

Labcorp Genetics (formerly Invitae), Labcorp
Classification: Uncertain significance. Last evaluated: 2022-11-08. Review status: criteria provided, single submitter. Criteria: Invitae Variant Classification Sherloc (09022015). Collection method: clinical testing. Allele origin: germline.
Comment: In summary, the available evidence is currently insufficient to determine the role of this variant in disease. Therefore, it has been classified as a Variant of Uncertain Significance. Advanced modeling of protein sequence and biophysical properties (such as structural, functional, and spatial information, amino acid conservation, physicochemical variation, residue mobility, and thermodynamic stability) performed at Invitae indicates that this missense variant is not expected to disrupt TBX6 protein function. This variant has not been reported in the literature in individuals affected with TBX6-related conditions. This variant is present in population databases (rs752576919, gnomAD 0.003%). This sequence change replaces proline, which is neutral and non-polar, with serine, which is neutral and polar, at codon 71 of the TBX6 protein (p.Pro71Ser).